The following is an entry in ClinVar:

NC_000019.10:g.39480723C>T

Gene: TIMM50 (translocase of inner mitochondrial membrane 50; plus strand). Cytogenetic location: 19q13.2.
Variant type: single nucleotide variant.
Genome position: GRCh38 VCF-style: chr19-39480723-C-T. GRCh37 (hg19) VCF-style: chr19-39971363-C-T.
Identifiers: ClinVar variation 1965785 (VCV001965785.3), dbSNP rs779405887, ClinGen allele CA9431575.

ClinVar aggregate classification (germline): Uncertain significance. Review status: criteria provided, multiple submitters, no conflicts (2 of 4 stars). 2 submissions from 2 submitters: Uncertain significance (2). Last evaluated 2022-07-23.

Conditions:
Inborn genetic diseases. Identifiers: MedGen C0950123, MeSH D030342.

Allele frequency attached by ClinVar (database versions not stated): ExAC 0.00001; gnomAD exomes 0.00001; TOPMed 0.00001; gnomAD 0.00002.

Submissions (2):

Labcorp Genetics (formerly Invitae), Labcorp
Classification: Uncertain significance. Last evaluated: 2022-07-23. Review status: criteria provided, single submitter. Criteria: Invitae Variant Classification Sherloc (09022015). Collection method: clinical testing. Allele origin: germline.
Comment: This sequence change replaces proline, which is neutral and non-polar, with leucine, which is neutral and non-polar, at codon 60 of the TIMM50 protein (p.Pro60Leu). This variant is present in population databases (rs779405887, gnomAD 0.009%). This variant has not been reported in the literature in individuals affected with TIMM50-related conditions. Algorithms developed to predict the effect of missense changes on protein structure and function are either unavailable or do not agree on the potential impact of this missense change (SIFT: "Not Available"; PolyPhen-2: "Benign"; Align-GVGD: "Not Available"). In summary, the available evidence is currently insufficient to determine the role of this variant in disease. Therefore, it has been classified as a Variant of Uncertain Significance.

Ambry Genetics
Classification: Uncertain significance for Inborn genetic diseases. Last evaluated: 2022-06-03. Review status: criteria provided, single submitter. Criteria: Ambry Variant Classification Scheme 2023. Collection method: clinical testing. Allele origin: germline.